The following is an entry in ClinVar:

NM_001161403.3(LIMS2):c.833T>A (p.Val278Glu)

Gene: LIMS2 (LIM zinc finger domain containing 2; minus strand). Cytogenetic location: 2q14.3.
Variant type: single nucleotide variant.
Coding change: c.833T>A on transcript NM_001161403.3 (MANE Select); coding-DNA position 833, T replaced by A.
Protein change: p.Val278Glu; replaces valine 278 with glutamic acid.
Molecular consequence: missense variant.
Genome position (GRCh38, 1-based): chr2:127,640,115, A>T on the plus strand (T>A on the coding strand, the complement: LIMS2 is on the minus strand). VCF-style: chr2-127640115-A-T. GRCh37 (hg19) VCF-style: chr2-128397690-A-T.
Other names: c.905T>A, p.Val302Glu (NM_017980.5); c.899T>A, p.Val300Glu (NM_001136037.4); c.818T>A, p.Val273Glu (NM_001161404.2); c.377T>A, p.Val126Glu (NM_001161405.1, NM_001256542.2); short protein forms V273E, V302E, V126E, V278E, V300E.
Identifiers: ClinVar variation 2739039 (VCV002739039.3), dbSNP rs1382282117, ClinGen allele CA348424181.

ClinVar aggregate classification (germline): Uncertain significance (1 of 4 stars; one submission).

Conditions:
Autosomal recessive limb-girdle muscular dystrophy type 2W (MDRCMTT). Also called: Muscular dystrophy, limb-girdle, type 2W; Muscular dystrophy, autosomal recessive, with cardiomyopathy and triangular tongue. Identifiers: MedGen C4225192, MONDO:0014788, OMIM 616827.

Allele frequency attached by ClinVar (database versions not stated): gnomAD exomes below 0.00001.
gnomAD v4.1: 5 of 1,613,440 alleles (0.00031%); highest among the groups gnomAD compares: Non-Finnish European, 0.00042%; no homozygotes.

Submission:

Labcorp Genetics (formerly Invitae), Labcorp
Classification: Uncertain significance for Autosomal recessive limb-girdle muscular dystrophy type 2W. Last evaluated: 2023-03-11. Review status: criteria provided, single submitter. Criteria: Invitae Variant Classification Sherloc (09022015). Collection method: clinical testing. Allele origin: germline.
Comment: This sequence change replaces valine, which is neutral and non-polar, with glutamic acid, which is acidic and polar, at codon 300 of the LIMS2 protein (p.Val300Glu). This variant is present in population databases (no rsID available, gnomAD 0.0009%). This variant has not been reported in the literature in individuals affected with LIMS2-related conditions. Advanced modeling of protein sequence and biophysical properties (such as structural, functional, and spatial information, amino acid conservation, physicochemical variation, residue mobility, and thermodynamic stability) performed at Invitae indicates that this missense variant is not expected to disrupt LIMS2 protein function. In summary, the available evidence is currently insufficient to determine the role of this variant in disease. Therefore, it has been classified as a Variant of Uncertain Significance.